The following is an entry in ClinVar:

ClinVar aggregate classification (germline): Uncertain significance (1 of 4 stars; one submission).

Conditions:
Pityriasis rubra pilaris (PRP). Also called: Pityriasis rubra pilaris--familial type. Identifiers: Orphanet 2897, MedGen C0032027, MONDO:0100017, OMIM 173200, MONDO:0008251.
Psoriasis 2. Identifiers: MedGen C1864497, MONDO:0011269, OMIM 602723.

Allele frequency attached by ClinVar (database versions not stated): gnomAD 0.00001; TOPMed 0.00001; gnomAD exomes 0.00002.

Submission:

Labcorp Genetics (formerly Invitae), Labcorp
Classification: Uncertain significance for Pityriasis rubra pilaris; Psoriasis 2. Last evaluated: 2024-02-17. Review status: criteria provided, single submitter. Criteria: Invitae Variant Classification Sherloc (09022015). Collection method: clinical testing. Allele origin: germline.
Comment: This sequence change replaces valine, which is neutral and non-polar, with isoleucine, which is neutral and non-polar, at codon 31 of the CARD14 protein (p.Val31Ile). This variant is present in population databases (rs772077307, gnomAD 0.002%). This variant has not been reported in the literature in individuals affected with CARD14-related conditions. ClinVar contains an entry for this variant (Variation ID: 1440393). Advanced modeling of protein sequence and biophysical properties (such as structural, functional, and spatial information, amino acid conservation, physicochemical variation, residue mobility, and thermodynamic stability) performed at Invitae indicates that this missense variant is expected to disrupt CARD14 protein function with a positive predictive value of 80%. In summary, the available evidence is currently insufficient to determine the role of this variant in disease. Therefore, it has been classified as a Variant of Uncertain Significance.

NM_001366385.1(CARD14):c.91G>A (p.Val31Ile)

Gene: CARD14 (caspase recruitment domain family member 14; plus strand). Cytogenetic location: 17q25.3.
Variant type: single nucleotide variant.
Coding change: c.91G>A on transcript NM_001366385.1 (MANE Select); coding-DNA position 91, G replaced by A.
Protein change: p.Val31Ile; replaces valine 31 with isoleucine.
Molecular consequence: missense variant. On other transcripts: non-coding transcript variant (1).
Genome position (GRCh38, 1-based): chr17:80,181,529, G>A. VCF-style: chr17-80181529-G-A. GRCh37 (hg19) VCF-style: chr17-78155328-G-A.
Other names: c.91G>A, p.Val31Ile (NM_001257970.1, NM_024110.4); short protein forms V31I.
Identifiers: ClinVar variation 1440393 (VCV001440393.8), dbSNP rs772077307, ClinGen allele CA294905017.